The following is an entry in ClinVar:

NM_003998.4(NFKB1):c.2569A>G (p.Lys857Glu)

Gene: NFKB1 (nuclear factor kappa B subunit 1; plus strand). Cytogenetic location: 4q24.
Variant type: single nucleotide variant.
Coding change: c.2569A>G on transcript NM_003998.4 (MANE Select); coding-DNA position 2569, A replaced by G.
Protein change: p.Lys857Glu; replaces lysine 857 with glutamic acid.
Molecular consequence: missense variant.
Genome position (GRCh38, 1-based): chr4:102,612,583, A>G. VCF-style: chr4-102612583-A-G. GRCh37 (hg19) VCF-style: chr4-103533740-A-G.
Other names: c.2569A>G (NM_003998.3); c.2566A>G, p.Lys856Glu (NM_001165412.2, NM_001319226.2, NM_001382627.1); c.2569A>G, p.Lys857Glu (NM_001382625.1, NM_001382626.1); c.2527A>G, p.Lys843Glu (NM_001382628.1); short protein forms K857E, K843E, K856E.
Identifiers: ClinVar variation 2183111 (VCV002183111.5), dbSNP rs768662565, ClinGen allele CA3026459.

ClinVar aggregate classification (germline): Uncertain significance. Review status: criteria provided, multiple submitters, no conflicts (2 of 4 stars). 2 submissions from 2 submitters: Uncertain significance (2). Last evaluated 2023-01-27.

Allele frequency attached by ClinVar (database versions not stated): ExAC 0.00001; gnomAD exomes 0.00001; TOPMed 0.00001.
gnomAD v4.1: 4 of 1,613,768 alleles (0.00025%); highest among the groups gnomAD compares: Admixed American, 0.0067%; no homozygotes.

Submissions (2):

GeneDx
Classification: Uncertain significance. Last evaluated: 2023-01-27. Review status: criteria provided, single submitter. Criteria: GeneDx Variant Classification Process June 2021. Collection method: clinical testing. Allele origin: germline. Affected: yes.
Comment: In silico analysis supports that this missense variant does not alter protein structure/function; Has not been previously published as pathogenic or benign to our knowledge

Labcorp Genetics (formerly Invitae), Labcorp
Classification: Uncertain significance. Last evaluated: 2022-04-10. Review status: criteria provided, single submitter. Criteria: Invitae Variant Classification Sherloc (09022015). Collection method: clinical testing. Allele origin: germline.
Comment: In summary, the available evidence is currently insufficient to determine the role of this variant in disease. Therefore, it has been classified as a Variant of Uncertain Significance. Algorithms developed to predict the effect of missense changes on protein structure and function are either unavailable or do not agree on the potential impact of this missense change (SIFT: "Deleterious"; PolyPhen-2: "Benign"; Align-GVGD: "Class C0"). This variant has not been reported in the literature in individuals affected with NFKB1-related conditions. This variant is present in population databases (rs768662565, gnomAD 0.01%). This sequence change replaces lysine, which is basic and polar, with glutamic acid, which is acidic and polar, at codon 857 of the NFKB1 protein (p.Lys857Glu).